The following is an entry in ClinVar:

ClinVar aggregate classification (germline): Benign/Likely benign. Review status: criteria provided, multiple submitters, no conflicts (2 of 4 stars). 15 submissions from 15 submitters: Benign (9); Likely benign (1). 5 of the submissions do not count toward it. Last evaluated 2026-05-09.

Conditions:
Curry-Hall syndrome (WAD). Also called: WEYERS ACRODENTAL DYSOSTOSIS. Identifiers: Orphanet 952, MedGen C0457013, MONDO:0008673, OMIM 193530.
Ellis-van Creveld syndrome (EVC). Also called: MESOECTODERMAL DYSPLASIA; Chondroectodermal dysplasia. Identifiers: Orphanet 289, MedGen C0013903, MONDO:0009162, OMIM 225500.

Allele frequency attached by ClinVar (database versions not stated): gnomAD exomes 0.01757 and 0.00677; 1000 Genomes Project 0.07288; 1000 Genomes Project 30x 0.07667; TOPMed 0.07781; ExAC 0.02103; gnomAD 0.06718 and 0.07232.
gnomAD v4.1: 20,670 of 1,614,078 alleles (1.3%); highest among the groups gnomAD compares: African/African-American, 23%; 2,137 homozygotes.

Submissions (15):

Women's Health and Genetics/Laboratory Corporation of America, LabCorp
Classification: Likely benign. Last evaluated: 2026-05-09. Review status: criteria provided, single submitter. Criteria: LabCorp Variant Classification Summary - May 2015. Collection method: clinical testing. Allele origin: germline.

Labcorp Genetics (formerly Invitae), Labcorp
Classification: Benign for Curry-Hall syndrome; Ellis-van Creveld syndrome. Last evaluated: 2026-02-02. Review status: criteria provided, single submitter. Criteria: Invitae Variant Classification Sherloc (09022015). Collection method: clinical testing. Allele origin: germline.

ARUP Laboratories, Molecular Genetics and Genomics, ARUP Laboratories
Classification: Benign. Last evaluated: 2025-06-24. Review status: criteria provided, single submitter. Criteria: ARUP Molecular Germline Variant Investigation Process 2024. Collection method: clinical testing. Allele origin: germline.

Genome-Nilou Lab
Classification: Benign for Ellis-van Creveld syndrome. Last evaluated: 2021-05-18. Review status: criteria provided, single submitter. Criteria: ACMG Guidelines, 2015. Collection method: clinical testing. Allele origin: germline. Affected: no.

Mendelics
Classification: Benign for Curry-Hall syndrome. Last evaluated: 2019-05-28. Review status: criteria provided, single submitter. Criteria: Mendelics Assertion Criteria 2017. Collection method: clinical testing. Allele origin: unknown.

Illumina Laboratory Services, Illumina
Classification: Benign for Ellis-van Creveld syndrome. Last evaluated: 2017-04-27. Review status: criteria provided, single submitter. Criteria: ICSL Variant Classification Criteria 13 December 2019. Collection method: clinical testing. Allele origin: germline.
Comment: This variant was observed as part of a predisposition screen in an ostensibly healthy population. A literature search was performed for the gene, cDNA change, and amino acid change (where applicable). No publications were found based on this search. Allele frequency data from public databases was too high to be consistent with this variant causing disease. Therefore, this variant is classified as benign.

Eurofins Ntd Llc (ga)
Classification: Benign. Last evaluated: 2017-01-11. Review status: criteria provided, single submitter. Criteria: EGL Classification Definitions 2015. Collection method: clinical testing. Allele origin: germline. Observed: 3 variant alleles, 3 heterozygotes.

GeneDx
Classification: Benign. Last evaluated: 2016-05-16. Review status: criteria provided, single submitter. Criteria: GeneDx Variant Classification (06012015). Collection method: clinical testing. Allele origin: germline. Affected: yes.
Comment: This variant is considered likely benign or benign based on one or more of the following criteria: it is a conservative change, it occurs at a poorly conserved position in the protein, it is predicted to be benign by multiple in silico algorithms, and/or has population frequency not consistent with disease.

Breakthrough Genomics
Classification: Benign. Review status: criteria provided, single submitter. Criteria: ACMG Guidelines, 2015. Collection method: not provided. Allele origin: germline. Inheritance: Autosomal recessive inheritance. Affected: yes.

PreventionGenetics, part of Exact Sciences
Classification: Benign. Review status: criteria provided, single submitter. Criteria: ACMG Guidelines, 2015. Collection method: clinical testing. Allele origin: germline.

Natera, Inc.
Classification: Benign for Ellis-van Creveld syndrome. Last evaluated: 2019-09-12. Review status: no assertion criteria provided. Collection method: clinical testing. Allele origin: germline. Not counted in ClinVar's aggregate classification.

OMIM
Classification: Uncertain significance for RECLASSIFIED - VARIANT OF UNKNOWN SIGNIFICANCE. Last evaluated: 2000-03-01. Review status: no assertion criteria provided. Collection method: literature only. Allele origin: germline. Not counted in ClinVar's aggregate classification.

Diagnostic Laboratory, Department of Genetics, University Medical Center Groningen
Classification: Benign. Review status: no assertion criteria provided. Collection method: clinical testing. Allele origin: germline. Affected: yes. Study: VKGL Data-share Consensus. Not counted in ClinVar's aggregate classification.

Genome Diagnostics Laboratory, University Medical Center Utrecht
Classification: Benign. Review status: no assertion criteria provided. Collection method: clinical testing. Allele origin: germline. Affected: yes. Study: VKGL Data-share Consensus. Not counted in ClinVar's aggregate classification.

Laboratory of Diagnostic Genome Analysis, Leiden University Medical Center (LUMC)
Classification: Likely benign. Review status: no assertion criteria provided. Collection method: clinical testing. Allele origin: germline. Affected: yes. Study: VKGL Data-share Consensus. Not counted in ClinVar's aggregate classification.

Literature cited by the submitters: PubMed 19876929 (cited by OMIM); PubMed 10700184 (cited by OMIM); PubMed 7635486 (cited by OMIM).

NM_153717.3(EVC):c.1328G>A (p.Arg443Gln)

Gene: EVC (EvC ciliary complex subunit 1; plus strand). Cytogenetic location: 4p16.2.
Variant type: single nucleotide variant.
Coding change: c.1328G>A on transcript NM_153717.3 (MANE Select); coding-DNA position 1328, G replaced by A.
Protein change: p.Arg443Gln; replaces arginine 443 with glutamine.
Molecular consequence: missense variant.
Genome position (GRCh38, 1-based): chr4:5,753,797, G>A. VCF-style: chr4-5753797-G-A. GRCh37 (hg19) VCF-style: chr4-5755524-G-A.
Other names: EVC, ARG443GLN (rs35953626); c.1328G>A, p.Arg443Gln (NM_001306090.2, NM_001306092.2); short protein forms R443Q.
Identifiers: ClinVar variation 5342 (VCV000005342.44), dbSNP rs35953626, ClinGen allele CA117419.
Genomic context (GRCh38, chr4:5,753,797, plus strand): 5'-TCTGGCTCACAGAGTCACCTCCTATGCTGTGGCTTTTTTCAATCCCAGAGTTTGTCCAGC[G>A]AGGCAAAGACCTGGTCACGGCGTCTCTGGCTCACCAGGTGGAGGGAACGGCAAAACTCAC-3'
Protein context (NP_714928.1, residues 433-453): AERFSREFVQ[Arg443Gln]GKDLVTASLA